The following is an entry in ClinVar:

ClinVar aggregate classification (germline): Benign. Review status: criteria provided, single submitter (1 of 4 stars). 3 submissions from 1 submitter: Benign (3). Last evaluated 2018-01-13.

Conditions:
Cockayne syndrome type 2 (CSB). Also called: COCKAYNE SYNDROME B; Cockayne Syndrome, Type II. Identifiers: Orphanet 191, Orphanet 90322, MedGen C0751038, MONDO:0019570, OMIM 133540.
Age related macular degeneration 5. Identifiers: MedGen C3151063, MONDO:0013409, OMIM 613761.
Cerebrooculofacioskeletal syndrome 1 (COFS1). Also called: Cerebro-oculo-facio-skeletal syndrome 1. Identifiers: MedGen C0220722, MONDO:0008955, OMIM 214150.

Allele frequency attached by ClinVar (database versions not stated): TOPMed 0.00079; 1000 Genomes Project 30x 0.00375; 1000 Genomes Project 0.00439.

Submissions (3):

Illumina Laboratory Services, Illumina
Classification: Benign for Cerebrooculofacioskeletal syndrome 1. Last evaluated: 2018-01-13. Review status: criteria provided, single submitter. Criteria: ICSL Variant Classification Criteria 13 December 2019. Collection method: clinical testing. Allele origin: germline.
Comment: This variant was observed in the ICSL laboratory as part of a predisposition screen in an ostensibly healthy population. It had not been previously curated by ICSL or reported in the Human Gene Mutation Database (HGMD: prior to June 1st, 2018), and was therefore a candidate for classification through an automated scoring system. Utilizing variant allele frequency, disease prevalence and penetrance estimates, and inheritance mode, an automated score was calculated to assess if this variant is too frequent to cause the disease. Based on the score and internal cut-off values, a variant classified as benign is not then subjected to further curation. The score for this variant resulted in a classification of benign for this disease.

Illumina Laboratory Services, Illumina
Classification: Benign for Cockayne syndrome type 2. Last evaluated: 2018-01-13. Review status: criteria provided, single submitter. Criteria: ICSL Variant Classification Criteria 13 December 2019. Collection method: clinical testing. Allele origin: germline.
Comment: the same text as in the submission from Illumina Laboratory Services, Illumina above.

Illumina Laboratory Services, Illumina
Classification: Benign for Age related macular degeneration 5. Last evaluated: 2018-01-13. Review status: criteria provided, single submitter. Criteria: ICSL Variant Classification Criteria 13 December 2019. Collection method: clinical testing. Allele origin: germline.
Comment: the same text as in the submission from Illumina Laboratory Services, Illumina above.

NM_000124.4(ERCC6):c.*2946C>T

Gene: ERCC6 (ERCC excision repair 6, chromatin remodeling factor; minus strand). Cytogenetic location: 10q11.23.
Variant type: single nucleotide variant.
Coding change: c.*2946C>T on transcript NM_000124.4 (MANE Select); 2946 bases downstream of the stop codon, C replaced by T.
Molecular consequence: 3 prime UTR variant.
Genome position (GRCh38, 1-based): chr10:49,455,869, G>A on the plus strand (C>T on the coding strand, the complement: ERCC6 is on the minus strand). VCF-style: chr10-49455869-G-A. GRCh37 (hg19) VCF-style: chr10-50663915-G-A.
Other names: c.*2946C>T (NM_001346440.2).
Identifiers: ClinVar variation 878033 (VCV000878033.4), dbSNP rs146529081, ClinGen allele CA206612692.
Genomic context (GRCh38, chr10:49,455,869, plus strand): 5'-AAGTGAAAACAAGGTACTTTCAATCACGAGACTGGTTAAAACAAAACAAAACAACCTATC[G>A]ATATTGATACCACTTACTGTTGGCAAGGGTTTGGAGAAATGGGTCCTTTTATGGAGGGTG-3'